The following is an entry in ClinVar:

ClinVar aggregate classification (germline): Conflicting classifications of pathogenicity. Review status: criteria provided, conflicting classifications (1 of 4 stars). 2 submissions from 2 submitters: Uncertain significance (1); Benign (1). Last evaluated 2024-07-18.

Conditions:
Cone-rod dystrophy and hearing loss 1 (CRDHL1). Identifiers: MedGen C5193018, MONDO:0020778, OMIM 617236.

Allele frequency attached by ClinVar (database versions not stated): gnomAD exomes 0.00042 and 0.00033; ExAC 0.00059; TOPMed 0.00028; ESP Exome Variant Server 0.00034; 1000 Genomes Project 30x 0.00016; 1000 Genomes Project 0.00020.

Submissions (2):

Blueprint Genetics
Classification: Benign. Last evaluated: 2024-07-18. Review status: criteria provided, single submitter. Criteria: ACMG Guidelines, 2015. Collection method: clinical testing. Allele origin: germline.

Labcorp Genetics (formerly Invitae), Labcorp
Classification: Uncertain significance. Last evaluated: 2022-10-17. Review status: criteria provided, single submitter. Criteria: Invitae Variant Classification Sherloc (09022015). Collection method: clinical testing. Allele origin: germline.
Comment: This sequence change replaces glycine, which is neutral and non-polar, with glutamic acid, which is acidic and polar, at codon 717 of the CEP78 protein (p.Gly717Glu). This variant is present in population databases (rs180973636, gnomAD 0.06%). This variant has not been reported in the literature in individuals affected with CEP78-related conditions. ClinVar contains an entry for this variant (Variation ID: 960759). Algorithms developed to predict the effect of missense changes on protein structure and function output the following: SIFT: "Tolerated"; PolyPhen-2: "Benign"; Align-GVGD: "Class C0". The glutamic acid amino acid residue is found in multiple mammalian species, which suggests that this missense change does not adversely affect protein function. In summary, the available evidence is currently insufficient to determine the role of this variant in disease. Therefore, it has been classified as a Variant of Uncertain Significance.

NM_001330691.3(CEP78):c.2107+40G>A

Gene: CEP78 (centrosomal protein 78; plus strand). Cytogenetic location: 9q21.2.
Variant type: single nucleotide variant.
Coding change: c.2107+40G>A on transcript NM_001330691.3 (MANE Select); 40 bases into the intron after coding-DNA position 2107, G replaced by A.
Molecular consequence: intron variant. On other transcripts: missense variant (4).
Genome position (GRCh38, 1-based): chr9:78,266,743, G>A. VCF-style: chr9-78266743-G-A. GRCh37 (hg19) VCF-style: chr9-80881659-G-A.
Other names: c.2150G>A, p.Gly717Glu (NM_001098802.3); c.2099G>A, p.Gly700Glu (NM_001330694.2); c.2147G>A, p.Gly716Glu (NM_001349838.2); c.2102G>A, p.Gly701Glu (NM_032171.3); c.2110+40G>A (NM_001349839.2); c.2062+40G>A (NM_001349840.2); c.2059+40G>A (NM_001330693.3); short protein forms G700E, G716E, G701E, G717E.
Identifiers: ClinVar variation 960759 (VCV000960759.7), dbSNP rs180973636, ClinGen allele CA5095435.
Genomic context (GRCh38, chr9:78,266,743, plus strand): 5'-CAGAGAAAAAGACCAAAACAGGTGAATATACCAAAAAACACTCTGATAAGCAACACCCTG[G>A]AAAGGACCTGCATTCCTGATCTGACTGTCCTGAAAACCAGAAAAGCAAAGAAACTAGGGA-3'